The following is an entry in ClinVar:

NM_006767.4(LZTR1):c.295G>A (p.Asp99Asn)

Gene: LZTR1 (leucine zipper like post translational regulator 1; plus strand). Cytogenetic location: 22q11.21.
Variant type: single nucleotide variant.
Coding change: c.295G>A on transcript NM_006767.4 (MANE Select); coding-DNA position 295, G replaced by A.
Protein change: p.Asp99Asn; replaces aspartic acid 99 with asparagine.
Molecular consequence: missense variant.
Genome position (GRCh38, 1-based): chr22:20,985,872, G>A. VCF-style: chr22-20985872-G-A. GRCh37 (hg19) VCF-style: chr22-21340161-G-A.
Other names: short protein forms D99N.
Identifiers: ClinVar variation 2573922 (VCV002573922.4), dbSNP rs1050873078, ClinGen allele CA322321251.
Genomic context (GRCh38, chr22:20,985,872, plus strand): 5'-TGCCACCCTCTCTTCCGGCTGCCTTTCAGGAAGACCATGCTCAATGACCTCCTGCGGTTC[G>A]ATGTGAAAGACTGCTCCTGGTGCAGGTGGGTGGCCCCGTGCTCCAGGGCCCTGCCTTTCC-3'
Protein context (NP_006758.2, residues 89-109): KTMLNDLLRF[Asp99Asn]VKDCSWCRAF

ClinVar aggregate classification (germline): Uncertain significance. Review status: criteria provided, multiple submitters, no conflicts (2 of 4 stars). 3 submissions from 3 submitters: Uncertain significance (3). Last evaluated 2025-08-16.

Conditions:
Cardiovascular phenotype. Identifiers: MedGen CN230736.
Hereditary cancer-predisposing syndrome. Also called: Tumor predisposition; Hereditary Cancer Syndrome; Hereditary neoplastic syndrome; Neoplastic Syndromes, Hereditary. Identifiers: Orphanet 140162, MedGen C0027672, MeSH D009386, MONDO:0015356.

Allele frequency attached by ClinVar (database versions not stated): gnomAD exomes below 0.00001.
gnomAD v4.1: 1 of 1,614,146 alleles (0.000062%); highest among the groups gnomAD compares: Non-Finnish European, 0.000085%; no homozygotes.

Submissions (3):

Labcorp Genetics (formerly Invitae), Labcorp
Classification: Uncertain significance. Last evaluated: 2025-08-16. Review status: criteria provided, single submitter. Criteria: Invitae Variant Classification Sherloc (09022015). Collection method: clinical testing. Allele origin: germline.
Comment: This sequence change replaces aspartic acid, which is acidic and polar, with asparagine, which is neutral and polar, at codon 99 of the LZTR1 protein (p.Asp99Asn). This variant is not present in population databases (gnomAD no frequency). This variant has not been reported in the literature in individuals affected with LZTR1-related conditions. ClinVar contains an entry for this variant (Variation ID: 2573922). Invitae Evidence Modeling of protein sequence and biophysical properties (such as structural, functional, and spatial information, amino acid conservation, physicochemical variation, residue mobility, and thermodynamic stability) indicates that this missense variant is not expected to disrupt LZTR1 protein function with a negative predictive value of 80%. In summary, the available evidence is currently insufficient to determine the role of this variant in disease. Therefore, it has been classified as a Variant of Uncertain Significance.

GeneDx
Classification: Uncertain significance. Last evaluated: 2025-04-29. Review status: criteria provided, single submitter. Criteria: GeneDx Variant Classification Process June 2021. Collection method: clinical testing. Allele origin: germline.
Comment: Not observed at significant frequency in large population cohorts (gnomAD); In silico analysis supports that this missense variant has a deleterious effect on protein structure/function; Has not been previously published as pathogenic or benign to our knowledge

Ambry Genetics
Classification: Uncertain significance for Cardiovascular phenotype; Hereditary cancer-predisposing syndrome. Last evaluated: 2024-01-17. Review status: criteria provided, single submitter. Criteria: Ambry Variant Classification Scheme 2023. Collection method: clinical testing. Allele origin: germline.
Comment: The p.D99N variant (also known as c.295G>A), located in coding exon 3 of the LZTR1 gene, results from a G to A substitution at nucleotide position 295. The aspartic acid at codon 99 is replaced by asparagine, an amino acid with highly similar properties. This amino acid position is conserved. In addition, this alteration is predicted to be tolerated by in silico analysis. Based on the available evidence, the clinical significance of this alteration remains unclear.